The following is an entry in ClinVar:

ClinVar aggregate classification (germline): Conflicting classifications of pathogenicity. Review status: criteria provided, conflicting classifications (1 of 4 stars). 2 submissions from 2 submitters: Uncertain significance (1); Likely benign (1). Last evaluated 2025-05-26.

Conditions:
Inborn genetic diseases. Identifiers: MedGen C0950123, MeSH D030342.

Allele frequency attached by ClinVar (database versions not stated): gnomAD 0.00007 and 0.00008; ExAC 0.00003; ESP Exome Variant Server 0.00031; gnomAD exomes 0.00002 and 0.00012; TOPMed 0.00008.
gnomAD v4.1: 187 of 1,613,998 alleles (0.012%); highest among the groups gnomAD compares: Non-Finnish European, 0.014%; no homozygotes.

Submissions (2):

Ambry Genetics
Classification: Likely benign for Inborn genetic diseases. Last evaluated: 2025-05-26. Review status: criteria provided, single submitter. Criteria: Ambry Variant Classification Scheme 2023. Collection method: clinical testing. Allele origin: germline.

Labcorp Genetics (formerly Invitae), Labcorp
Classification: Uncertain significance. Last evaluated: 2022-01-14. Review status: criteria provided, single submitter. Criteria: Invitae Variant Classification Sherloc (09022015). Collection method: clinical testing. Allele origin: germline.
Comment: This sequence change replaces valine, which is neutral and non-polar, with isoleucine, which is neutral and non-polar, at codon 235 of the SPINT2 protein (p.Val235Ile). This variant is present in population databases (rs200600070, gnomAD 0.008%). This variant has not been reported in the literature in individuals affected with SPINT2-related conditions. Algorithms developed to predict the effect of missense changes on protein structure and function output the following: SIFT: "Deleterious"; PolyPhen-2: "Benign"; Align-GVGD: "Class C0". The isoleucine amino acid residue is found in multiple mammalian species, which suggests that this missense change does not adversely affect protein function. In summary, the available evidence is currently insufficient to determine the role of this variant in disease. Therefore, it has been classified as a Variant of Uncertain Significance.

NM_021102.4(SPINT2):c.703G>A (p.Val235Ile)

Gene: SPINT2 (serine peptidase inhibitor, Kunitz type 2; plus strand). Cytogenetic location: 19q13.2.
Variant type: single nucleotide variant.
Coding change: c.703G>A on transcript NM_021102.4 (MANE Select); coding-DNA position 703, G replaced by A.
Protein change: p.Val235Ile; replaces valine 235 with isoleucine.
Molecular consequence: missense variant.
Genome position (GRCh38, 1-based): chr19:38,291,950, G>A. VCF-style: chr19-38291950-G-A. GRCh37 (hg19) VCF-style: chr19-38782590-G-A.
Other names: c.532G>A, p.Val178Ile (NM_001166103.2); c.703G>A (NM_021102.3); short protein forms V235I, V178I.
Identifiers: ClinVar variation 1385590 (VCV001385590.6), dbSNP rs200600070, ClinGen allele CA9411602.
Genomic context (GRCh38, chr19:38,291,950, plus strand): 5'-GCCTCCATGGTCTACCTGATCCGGGTGGCACGGAGGAACCAGGAGCGTGCCCTGCGCACC[G>A]TCTGGAGCTCCGGAGATGACAAGGAGCAGCTGGTGAAGAACACATATGTCCTGTGACCGC-3'
Protein context (NP_066925.1, residues 225-245): RRNQERALRT[Val235Ile]WSSGDDKEQL